The following is an entry in ClinVar:

ClinVar aggregate classification (germline): Uncertain significance (1 of 4 stars; one submission).

Submission:

Women's Health and Genetics/Laboratory Corporation of America, LabCorp
Classification: Uncertain significance. Last evaluated: 2025-09-22. Review status: criteria provided, single submitter. Criteria: LabCorp Variant Classification Summary - May 2015. Collection method: clinical testing. Allele origin: germline.
Comment: Variant summary: The variant involves the duplication of exons 1-7 in the GLA gene. This duplication includes the entire coding sequence of the gene. As exact breakpoints are unknown, it may extend beyond the annotated region of the gene, to include other flanking genes. A presumed nomenclature of c.(?_-23)_(*7_?)dup has been designated for the purposes of this classification. The variant was absent in 16120 control chromosomes. The available data on variant occurrences in the general population are insufficient to allow any conclusion about variant significance. To our knowledge, no occurrence of c.(?_-23)_(*7_?)dup in individuals affected with GLA-related conditions and no experimental evidence demonstrating its impact on protein function have been reported. ClinVar contains an entry for this variant (Variation ID: 1409155). Based on the evidence outlined above, the variant was classified as uncertain significance.

NC_000023.10:g.(?_100652790)_(100662914_?)dup

Genes: GLA (galactosidase alpha; minus strand), RPL36A-HNRNPH2 (RPL36A-HNRNPH2 readthrough; plus strand). Cytogenetic location: Xq22.1.
Variant type: Duplication.
Identifiers: ClinVar variation 4536094 (VCV004536094.1).